The following is an entry in ClinVar:

ClinVar aggregate classification (germline): Uncertain significance. Review status: criteria provided, multiple submitters, no conflicts (2 of 4 stars). 2 submissions from 2 submitters: Uncertain significance (2). Last evaluated 2023-07-12.

Conditions:
Severe combined immunodeficiency due to DNA-PKcs deficiency. Also called: IMMUNODEFICIENCY 26 WITH NEUROLOGIC ABNORMALITIES; Immunodeficiency 26 with or without neurologic abnormalities. Identifiers: Orphanet 317425, MedGen C4014833, MONDO:0014423, OMIM 615966.

Submissions (2):

Labcorp Genetics (formerly Invitae), Labcorp
Classification: Uncertain significance for Severe combined immunodeficiency due to DNA-PKcs deficiency. Last evaluated: 2023-07-12. Review status: criteria provided, single submitter. Criteria: Invitae Variant Classification Sherloc (09022015). Collection method: clinical testing. Allele origin: germline.
Comment: This sequence change replaces isoleucine, which is neutral and non-polar, with valine, which is neutral and non-polar, at codon 851 of the PRKDC protein (p.Ile851Val). This variant is not present in population databases (gnomAD no frequency). This variant has not been reported in the literature in individuals affected with PRKDC-related conditions. Advanced modeling of protein sequence and biophysical properties (such as structural, functional, and spatial information, amino acid conservation, physicochemical variation, residue mobility, and thermodynamic stability) performed at Invitae indicates that this missense variant is not expected to disrupt PRKDC protein function. In summary, the available evidence is currently insufficient to determine the role of this variant in disease. Therefore, it has been classified as a Variant of Uncertain Significance.

Ambry Genetics
Classification: Uncertain significance. Last evaluated: 2023-06-14. Review status: criteria provided, single submitter. Criteria: Ambry Variant Classification Scheme 2023. Collection method: clinical testing. Allele origin: germline.
Comment: The p.I851V variant (also known as c.2551A>G), located in coding exon 23 of the PRKDC gene, results from an A to G substitution at nucleotide position 2551. The isoleucine at codon 851 is replaced by valine, an amino acid with highly similar properties. This amino acid position is conserved. In addition, this alteration is predicted to be tolerated by in silico analysis. Since supporting evidence is limited at this time, the clinical significance of this alteration remains unclear.

NM_006904.7(PRKDC):c.2551A>G (p.Ile851Val)

Gene: PRKDC (protein kinase, DNA-activated, catalytic subunit; minus strand). Cytogenetic location: 8q11.21.
Variant type: single nucleotide variant.
Coding change: c.2551A>G on transcript NM_006904.7 (MANE Select); coding-DNA position 2551, A replaced by G.
Protein change: p.Ile851Val; replaces isoleucine 851 with valine.
Molecular consequence: missense variant.
Genome position (GRCh38, 1-based): chr8:47,915,394, T>C on the plus strand (A>G on the coding strand, the complement: PRKDC is on the minus strand). VCF-style: chr8-47915394-T-C. GRCh37 (hg19) VCF-style: chr8-48827954-T-C.
Other names: c.2551A>G, p.Ile851Val (NM_001081640.2); short protein forms I851V.
Identifiers: ClinVar variation 2564576 (VCV002564576.5), dbSNP rs1563801578, ClinGen allele CA371159986.